The following is an entry in ClinVar:

ClinVar aggregate classification (germline): Uncertain significance (1 of 4 stars; one submission).

Allele frequency attached by ClinVar (database versions not stated): gnomAD exomes below 0.00001.
gnomAD v4.1: 1 of 1,587,864 alleles (0.000063%); highest among the groups gnomAD compares: Non-Finnish European, 0.000085%; no homozygotes.

Submission:

CeGaT Center for Human Genetics Tuebingen
Classification: Uncertain significance. Last evaluated: 2024-05-01. Review status: criteria provided, single submitter. Criteria: CeGaT Center For Human Genetics Tuebingen Variant Classification Criteria Version 2. Collection method: clinical testing. Allele origin: germline. Affected: yes. Observed: 1 variant allele.
Comment: AKT3: PM2, PP2

NM_005465.7(AKT3):c.244G>C (p.Val82Leu)

Gene: AKT3 (AKT serine/threonine kinase 3; minus strand). Cytogenetic location: 1q44.
Variant type: single nucleotide variant.
Coding change: c.244G>C on transcript NM_005465.7 (MANE Select); coding-DNA position 244, G replaced by C.
Protein change: p.Val82Leu; replaces valine 82 with leucine.
Molecular consequence: missense variant.
Genome position (GRCh38, 1-based): chr1:243,664,812, C>G on the plus strand (G>C on the coding strand, the complement: AKT3 is on the minus strand). VCF-style: chr1-243664812-C-G. GRCh37 (hg19) VCF-style: chr1-243828114-C-G.
Other names: c.244G>C, p.Val82Leu (NM_001206729.2, NM_001370074.1, NM_181690.2); short protein forms V82L.
Identifiers: ClinVar variation 3239302 (VCV003239302.19), dbSNP rs2528367588.